The following is an entry in ClinVar:

NM_000936.4(PNLIP):c.1241T>C (p.Met414Thr)

Gene: PNLIP (pancreatic lipase; plus strand). Cytogenetic location: 10q25.3.
Variant type: single nucleotide variant.
Coding change: c.1241T>C on transcript NM_000936.4 (MANE Select); coding-DNA position 1241, T replaced by C.
Protein change: p.Met414Thr; replaces methionine 414 with threonine.
Molecular consequence: missense variant.
Genome position (GRCh38, 1-based): chr10:116,561,543, T>C. VCF-style: chr10-116561543-T-C. GRCh37 (hg19) VCF-style: chr10-118321055-T-C.
Other names: short protein forms M414T.
Identifiers: ClinVar variation 2419117 (VCV002419117.3), dbSNP rs111319548, ClinGen allele CA378498262.
Genomic context (GRCh38, chr10:116,561,543, plus strand): 5'-AACCAGATAGTACTCATTCCAATGAATTTGACTCAGATGTGGATGTTGGGGACTTGCAGA[T>C]GGTTAAATTTATTTGGTATAACAATGTGATCAACCCAACTTTACCTAGAGTGGGAGCATC-3'
Protein context (NP_000927.1, residues 404-424): DSDVDVGDLQ[Met414Thr]VKFIWYNNVI

ClinVar aggregate classification (germline): Uncertain significance (1 of 4 stars; one submission).

Submission:

Labcorp Genetics (formerly Invitae), Labcorp
Classification: Uncertain significance. Last evaluated: 2022-06-29. Review status: criteria provided, single submitter. Criteria: Invitae Variant Classification Sherloc (09022015). Collection method: clinical testing. Allele origin: germline.
Comment: This sequence change replaces methionine, which is neutral and non-polar, with threonine, which is neutral and polar, at codon 414 of the PNLIP protein (p.Met414Thr). This variant is not present in population databases (gnomAD no frequency). This variant has not been reported in the literature in individuals affected with PNLIP-related conditions. Algorithms developed to predict the effect of missense changes on protein structure and function are either unavailable or do not agree on the potential impact of this missense change (SIFT: "Not Available"; PolyPhen-2: "Benign"; Align-GVGD: "Not Available"). In summary, the available evidence is currently insufficient to determine the role of this variant in disease. Therefore, it has been classified as a Variant of Uncertain Significance.